The following is an entry in ClinVar:

NM_000038.6(APC):c.2681T>G (p.Val894Gly)

Gene: APC (APC regulator of Wnt signaling pathway; plus strand). Cytogenetic location: 5q22.2.
Variant type: single nucleotide variant.
Coding change: c.2681T>G on transcript NM_000038.6 (MANE Select); coding-DNA position 2681, T replaced by G.
Protein change: p.Val894Gly; replaces valine 894 with glycine.
Molecular consequence: missense variant. On other transcripts: non-coding transcript variant (2).
Genome position (GRCh38, 1-based): chr5:112,838,275, T>G. VCF-style: chr5-112838275-T-G. GRCh37 (hg19) VCF-style: chr5-112173972-T-G.
Other names: c.2303T>G, p.Val768Gly (NM_001354904.2); c.1832T>G, p.Val611Gly (NM_001354906.2, NM_001407470.1); c.2765T>G, p.Val922Gly (NM_001407446.1); c.2735T>G, p.Val912Gly (NM_001407447.1, NM_001354896.2, NM_001407448.1 and 1 more transcripts); c.2504T>G, p.Val835Gly (NM_001354901.2, NM_001407453.1); c.2408T>G, p.Val803Gly (NM_001354902.2); c.2378T>G, p.Val793Gly (NM_001354903.2, NM_001407460.1, NM_001407458.1 and 1 more transcripts); c.2201T>G, p.Val734Gly (NM_001354905.2); and 11 more; short protein forms V510G, V611G, V734G, V765G, V768G, V793G, V803G, V811G.
Identifiers: ClinVar variation 3893758 (VCV003893758.1).

ClinVar aggregate classification (germline): Uncertain significance (1 of 4 stars; one submission).

Conditions:
Hereditary cancer-predisposing syndrome. Also called: Neoplastic Syndromes, Hereditary; Tumor predisposition; Hereditary Cancer Syndrome; Hereditary neoplastic syndrome. Identifiers: Orphanet 140162, MedGen C0027672, MeSH D009386, MONDO:0015356.

Submission:

Color Diagnostics, LLC DBA Color Health
Classification: Uncertain significance for Hereditary cancer-predisposing syndrome. Last evaluated: 2024-04-15. Review status: criteria provided, single submitter. Criteria: ACMG Guidelines, 2015. Collection method: clinical testing. Allele origin: germline.
Comment: This missense variant replaces valine with glycine at codon 894 of the APC protein. Computational prediction suggests that this variant may have deleterious impact on protein structure and function (internally defined REVEL score threshold >= 0.7, PMID: 27666373). To our knowledge, functional studies have not been reported for this variant. This variant has not been reported in individuals affected with APC-related disorders in the literature. This variant has not been identified in the general population by the Genome Aggregation Database (gnomAD). The available evidence is insufficient to determine the role of this variant in disease conclusively. Therefore, this variant is classified as a Variant of Uncertain Significance.